The following is an entry in ClinVar:

ClinVar aggregate classification (germline): Benign. Review status: criteria provided, multiple submitters, no conflicts (2 of 4 stars). 4 submissions from 4 submitters: Benign (4). Last evaluated 2026-09-01.

Conditions:
Mevalonic aciduria (MEVA). Identifiers: Orphanet 29, MedGen C1959626, MONDO:0012481, OMIM 610377.
Hyperimmunoglobulin D with periodic fever (HIDS). Also called: Hyperimmunoglobulinemia D; Hyperimmunoglobulinemia D with periodic fever; HYPERIMMUNOGLOBULINEMIA D AND PERIODIC FEVER SYNDROME. Identifiers: Orphanet 343, MedGen C0398691, MONDO:0009849, OMIM 260920.
Porokeratosis 3, disseminated superficial actinic type (POROK3). Also called: POROKERATOSIS, DISSEMINATED SUPERFICIAL ACTINIC, 1; POROKERATOSIS 3, MULTIPLE TYPES; POROKERATOSIS 3, MIBELLI TYPE. Identifiers: MedGen C1867981, MONDO:0008293, OMIM 175900.

Allele frequency attached by ClinVar (database versions not stated): gnomAD 0.00705 and 0.00733; gnomAD exomes 0.00884; 1000 Genomes Project 0.00260; TOPMed 0.00663; 1000 Genomes Project 30x 0.00359.
gnomAD v4.1: 6,438 of 757,782 alleles (0.85%); highest among the groups gnomAD compares: Non-Finnish European, 1.1%; 42 homozygotes.

Submissions (4):

CeGaT Center for Human Genetics Tuebingen
Classification: Benign. Last evaluated: 2026-09-01. Review status: criteria provided, single submitter. Criteria: CeGaT Center For Human Genetics Tuebingen Variant Classification Criteria Version 2. Collection method: clinical testing. Allele origin: germline. Affected: yes. Observed: 43 variant alleles.
Comment: MVK: BS1, BS2

Labcorp Genetics (formerly Invitae), Labcorp
Classification: Benign for Mevalonic aciduria; Hyperimmunoglobulin D with periodic fever; Porokeratosis 3, disseminated superficial actinic type. Last evaluated: 2026-01-05. Review status: criteria provided, single submitter. Criteria: Invitae Variant Classification Sherloc (09022015). Collection method: clinical testing. Allele origin: germline.

Eurofins Ntd Llc (ga)
Classification: Benign. Last evaluated: 2018-07-19. Review status: criteria provided, single submitter. Criteria: EGL ClinVar v180209 classification definitions. Collection method: clinical testing. Allele origin: germline. Observed: 1 variant allele, 1 heterozygote.

Breakthrough Genomics
Classification: Benign. Review status: criteria provided, single submitter. Criteria: ACMG Guidelines, 2015. Collection method: not provided. Allele origin: germline. Inheritance: Autosomal recessive inheritance. Affected: yes.

NC_000012.12:g.109573660G>A

Gene: MVK (mevalonate kinase; plus strand). Cytogenetic location: 12q24.11.
Variant type: single nucleotide variant.
Genome position: GRCh38 VCF-style: chr12-109573660-G-A. GRCh37 (hg19) VCF-style: chr12-110011465-G-A.
Identifiers: ClinVar variation 534562 (VCV000534562.47), dbSNP rs66486014, ClinGen allele CA243451963.